The following is an entry in ClinVar:

ClinVar aggregate classification (germline): Uncertain significance (1 of 4 stars; one submission).

Conditions:
Familial hypobetalipoproteinemia 1. Also called: Hypobetalipoproteinemia, normotriglyceridemic; Acanthocytosis with hypobetalipoproteinemia; APOB-Related Familial Hypobetalipoproteinemia. Identifiers: MedGen C4551990, MONDO:0014252, OMIM 615558.
Hypercholesterolemia, autosomal dominant, type B (FHCL2). Also called: Familial Hypercholesterolemia Type B; APOLIPOPROTEIN B-100, FAMILIAL DEFECTIVE; APOLIPOPROTEIN B-100, FAMILIAL LIGAND-DEFECTIVE; HYPERCHOLESTEROLEMIA, FAMILIAL, DUE TO LIGAND-DEFECTIVE APOLIPOPROTEIN B; APOB-Related Familial Hypercholesterolemia, Autosomal Dominant; Hyperlipoproteinemia Type IIb. Identifiers: MedGen C1704417, MONDO:0007751, OMIM 144010.

Submission:

Labcorp Genetics (formerly Invitae), Labcorp
Classification: Uncertain significance for Familial hypobetalipoproteinemia 1; Hypercholesterolemia, autosomal dominant, type B. Last evaluated: 2025-08-12. Review status: criteria provided, single submitter. Criteria: Invitae Variant Classification Sherloc (09022015). Collection method: clinical testing. Allele origin: germline.
Comment: This sequence change replaces isoleucine, which is neutral and non-polar, with valine, which is neutral and non-polar, at codon 4533 of the APOB protein (p.Ile4533Val). This variant is not present in population databases (gnomAD no frequency). This variant has not been reported in the literature in individuals affected with APOB-related conditions. Invitae Evidence Modeling of protein sequence and biophysical properties (such as structural, functional, and spatial information, amino acid conservation, physicochemical variation, residue mobility, and thermodynamic stability) indicates that this missense variant is not expected to disrupt APOB protein function with a negative predictive value of 95%. In summary, the available evidence is currently insufficient to determine the role of this variant in disease. Therefore, it has been classified as a Variant of Uncertain Significance.

NM_000384.3(APOB):c.13597A>G (p.Ile4533Val)

Genes: APOB3'MAR (APOB 3' scaffold/matrix attachment region; plus strand), APOB (apolipoprotein B; minus strand). Cytogenetic location: 2p24.1.
Variant type: single nucleotide variant.
Coding change: c.13597A>G on transcript NM_000384.3 (MANE Select); coding-DNA position 13597, A replaced by G.
Protein change: p.Ile4533Val; replaces isoleucine 4533 with valine.
Molecular consequence: missense variant.
Genome position (GRCh38, 1-based): chr2:21,001,825, T>C on the plus strand (A>G on the coding strand, the complement: APOB is on the minus strand). VCF-style: chr2-21001825-T-C. GRCh37 (hg19) VCF-style: chr2-21224697-T-C.
Other names: short protein forms I4533V.
Identifiers: ClinVar variation 4794609 (VCV004794609.1).